The following is an entry in ClinVar:

ClinVar aggregate classification (germline): Uncertain significance (1 of 4 stars; one submission).

Allele frequency attached by ClinVar (database versions not stated): gnomAD 0.00001; TOPMed 0.00001.
gnomAD v4.1: 1 of 1,613,994 alleles (0.000062%); highest among the groups gnomAD compares: Non-Finnish European, 0.000085%; no homozygotes.

Submission:

Labcorp Genetics (formerly Invitae), Labcorp
Classification: Uncertain significance. Last evaluated: 2024-02-24. Review status: criteria provided, single submitter. Criteria: Invitae Variant Classification Sherloc (09022015). Collection method: clinical testing. Allele origin: germline.
Comment: This sequence change replaces arginine, which is basic and polar, with glycine, which is neutral and non-polar, at codon 4326 of the FAT4 protein (p.Arg4326Gly). This variant is not present in population databases (gnomAD no frequency). This variant has not been reported in the literature in individuals affected with FAT4-related conditions. ClinVar contains an entry for this variant (Variation ID: 2091556). Advanced modeling of protein sequence and biophysical properties (such as structural, functional, and spatial information, amino acid conservation, physicochemical variation, residue mobility, and thermodynamic stability) performed at Invitae indicates that this missense variant is not expected to disrupt FAT4 protein function with a negative predictive value of 95%. In summary, the available evidence is currently insufficient to determine the role of this variant in disease. Therefore, it has been classified as a Variant of Uncertain Significance.

NM_001291303.3(FAT4):c.12982A>G (p.Arg4328Gly)

Gene: FAT4 (FAT atypical cadherin 4; plus strand). Cytogenetic location: 4q28.1.
Variant type: single nucleotide variant.
Coding change: c.12982A>G on transcript NM_001291303.3 (MANE Select); coding-DNA position 12982, A replaced by G.
Protein change: p.Arg4328Gly; replaces arginine 4328 with glycine.
Molecular consequence: missense variant.
Genome position (GRCh38, 1-based): chr4:125,487,504, A>G. VCF-style: chr4-125487504-A-G. GRCh37 (hg19) VCF-style: chr4-126408659-A-G.
Other names: c.12982A>G, p.Arg4328Gly (NM_001291285.3); c.12976A>G, p.Arg4326Gly (NM_024582.6); short protein forms R4326G, R4328G.
Identifiers: ClinVar variation 2091556 (VCV002091556.3), dbSNP rs1343826081, ClinGen allele CA358134484.